The following is an entry in ClinVar:

ClinVar aggregate classification (germline): Uncertain significance (1 of 4 stars; one submission).

Submission:

Labcorp Genetics (formerly Invitae), Labcorp
Classification: Uncertain significance. Last evaluated: 2025-03-25. Review status: criteria provided, single submitter. Criteria: Invitae Variant Classification Sherloc (09022015). Collection method: clinical testing. Allele origin: germline.
Comment: This sequence change creates a premature translational stop signal (p.Thr511Profs*104) in the KRT1 gene. While this is not anticipated to result in nonsense mediated decay, it is expected to disrupt the last 134 amino acid(s) of the KRT1 protein. This variant is not present in population databases (gnomAD no frequency). This premature translational stop signal has been observed in individual(s) with clinical features of KRT1-related conditions (internal data). In summary, the available evidence is currently insufficient to determine the role of this variant in disease. Therefore, it has been classified as a Variant of Uncertain Significance.

NM_006121.4(KRT1):c.1528_1529dup (p.Thr511fs)

Gene: KRT1 (keratin 1; minus strand). Cytogenetic location: 12q13.13.
Variant type: Microsatellite.
Coding change: c.1528_1529dup on transcript NM_006121.4 (MANE Select); coding-DNA positions 1528 to 1529, 2 bases duplicated (AC; older notation c.1528_1529dupAC).
Protein change: p.Thr511fs; shifts the reading frame from threonine 511.
Molecular consequence: frameshift variant.
Genome position (GRCh38, 1-based): chr12:52,675,599-52,675,600, GT duplicated on the plus strand (AC on the coding strand, the reverse complement: KRT1 is on the minus strand); duplicating any 2 consecutive bases within chr12:52,675,599-52,675,603 gives the same sequence; the c. name uses the placement nearest the transcript's 3' end. VCF-style (leftmost placement, unchanged base first): chr12-52675598-G-GGT. GRCh37 (hg19) VCF-style: chr12-53069382-G-GGT.
Other names: short protein forms T511fs.
Identifiers: ClinVar variation 4715936 (VCV004715936.1).